The following is an entry in ClinVar:

ClinVar aggregate classification (germline): Uncertain significance (1 of 4 stars; one submission).

Conditions:
Myofibrillar myopathy 6. Identifiers: Orphanet 199340, MedGen C2751831, MONDO:0013061, OMIM 612954.
Dilated cardiomyopathy 1HH (CMD1HH). Identifiers: Orphanet 154, MedGen C3151293, MONDO:0013479, OMIM 613881.

Allele frequency attached by ClinVar (database versions not stated): gnomAD exomes below 0.00001; TOPMed below 0.00001.
gnomAD v4.1: 5 of 1,614,110 alleles (0.00031%); highest among the groups gnomAD compares: African/African-American, 0.0013%; no homozygotes.

Submission:

Labcorp Genetics (formerly Invitae), Labcorp
Classification: Uncertain significance for Dilated cardiomyopathy 1HH; Myofibrillar myopathy 6. Last evaluated: 2025-08-19. Review status: criteria provided, single submitter. Criteria: Invitae Variant Classification Sherloc (09022015). Collection method: clinical testing. Allele origin: germline.
Comment: This sequence change replaces isoleucine, which is neutral and non-polar, with threonine, which is neutral and polar, at codon 499 of the BAG3 protein (p.Ile499Thr). This variant is present in population databases (no rsID available, gnomAD 0.0009%). This variant has not been reported in the literature in individuals affected with BAG3-related conditions. ClinVar contains an entry for this variant (Variation ID: 539161). Invitae Evidence Modeling of protein sequence and biophysical properties (such as structural, functional, and spatial information, amino acid conservation, physicochemical variation, residue mobility, and thermodynamic stability) indicates that this missense variant is not expected to disrupt BAG3 protein function with a negative predictive value of 80%. In summary, the available evidence is currently insufficient to determine the role of this variant in disease. Therefore, it has been classified as a Variant of Uncertain Significance.

NM_004281.4(BAG3):c.1496T>C (p.Ile499Thr)

Gene: BAG3 (BAG cochaperone 3; plus strand). Cytogenetic location: 10q26.11.
Variant type: single nucleotide variant.
Coding change: c.1496T>C on transcript NM_004281.4 (MANE Select); coding-DNA position 1496, T replaced by C.
Protein change: p.Ile499Thr; replaces isoleucine 499 with threonine.
Molecular consequence: missense variant.
Genome position (GRCh38, 1-based): chr10:119,677,050, T>C. VCF-style: chr10-119677050-T-C. GRCh37 (hg19) VCF-style: chr10-121436562-T-C.
Other names: short protein forms I499T.
Identifiers: ClinVar variation 539161 (VCV000539161.7), dbSNP rs1405717595, ClinGen allele CA378297451.